The following is an entry in ClinVar:

NM_020822.3(KCNT1):c.317T>C (p.Ile106Thr)

Gene: KCNT1 (potassium sodium-activated channel subfamily T member 1; plus strand). Cytogenetic location: 9q34.3.
Variant type: single nucleotide variant.
Coding change: c.317T>C on transcript NM_020822.3 (MANE Select); coding-DNA position 317, T replaced by C.
Protein change: p.Ile106Thr; replaces isoleucine 106 with threonine.
Molecular consequence: missense variant.
Genome position (GRCh38, 1-based): chr9:135,750,160, T>C. VCF-style: chr9-135750160-T-C. GRCh37 (hg19) VCF-style: chr9-138642006-T-C.
Other names: c.173T>C, p.Ile58Thr (NM_001272003.2); short protein forms I106T, I58T.
Identifiers: ClinVar variation 4689452 (VCV004689452.1).

ClinVar aggregate classification (germline): Uncertain significance (1 of 4 stars; one submission).

Submission:

Women's Health and Genetics/Laboratory Corporation of America, LabCorp
Classification: Uncertain significance. Last evaluated: 2026-01-12. Review status: criteria provided, single submitter. Criteria: LabCorp Variant Classification Summary - May 2015. Collection method: clinical testing. Allele origin: germline.
Comment: Variant summary: KCNT1 c.317T>C (p.Ile106Thr) results in a non-conservative amino acid change in the encoded protein sequence. Algorithms developed to predict the effect of missense changes on protein structure and function are either unavailable or do not agree on the potential impact of this missense change. The frequency data for this variant in gnomAD is considered unreliable, as metrics indicate poor data quality at this position. To our knowledge, no occurrence of c.317T>C in individuals affected with KCNT1-related conditions and no experimental evidence demonstrating its impact on protein function have been reported. No submitters have cited clinical-significance assessments for this variant to ClinVar. Based on the evidence outlined above, the variant was classified as uncertain significance.